The following is an entry in ClinVar:

ClinVar aggregate classification (germline): Uncertain significance (1 of 4 stars; one submission).

Conditions:
Inborn genetic diseases. Identifiers: MedGen C0950123, MeSH D030342.

Submission:

Ambry Genetics
Classification: Uncertain significance for Inborn genetic diseases. Last evaluated: 2026-03-12. Review status: criteria provided, single submitter. Criteria: Ambry Variant Classification Scheme 2023. Collection method: clinical testing. Allele origin: germline.
Comment: The c.76C>G (p.L26V) alteration is located in exon 1 (coding exon 1) of the SLC16A2 gene. This alteration results from a C to G substitution at nucleotide position 76, causing the leucine (L) at amino acid position 26 to be replaced by a valine (V). Based on data from gnomAD, the G allele has an overall frequency of <0.001% (0/111512) total alleles studied. The highest observed frequency was <0.001% (/) of alleles. Based on insufficient or conflicting evidence, the clinical significance of this alteration remains unclear.

NM_006517.3:c.76C>G

Gene: SLC16A2 (solute carrier family 16 member 2; plus strand).
Variant type: single nucleotide variant.
Identifiers: ClinVar variation 4841245 (VCV004841245.1).